The following is an entry in ClinVar:

ClinVar aggregate classification (germline): Pathogenic (1 of 4 stars; one submission).

Conditions:
Glycogen storage disease, type IV (GSD4). Also called: AMYLOPECTINOSIS; ANDERSEN DISEASE; BRANCHER DEFICIENCY; CIRRHOSIS, FAMILIAL, WITH DEPOSITION OF ABNORMAL GLYCOGEN; GBE1 DEFICIENCY; GLYCOGEN BRANCHING ENZYME DEFICIENCY. Identifiers: Orphanet 367, MedGen C0017923, MONDO:0009292, OMIM 232500.

Submission:

Myriad Genetics, Inc.
Classification: Pathogenic for Glycogen storage disease, type IV. Last evaluated: 2024-05-22. Review status: criteria provided, single submitter. Criteria: Myriad Autosomal Dominant, Autosomal Recessive and X-Linked Classification Criteria (2023). Collection method: clinical testing. Allele origin: unknown.
Comment: NM_000158.3(GBE1):c.1281dupA(G428Rfs*5) is expected to be pathogenic in the context of glycogen storage disease, GBE1-related. This variant is predicted to lead to an abnormal or absent protein product due to the creation of a premature termination codon in GBE1, a gene where loss-of-function variants are known to be pathogenic. Please note: this variant was assessed in the context of healthy population screening.

NM_000158.4(GBE1):c.1281dup (p.Gly428fs)

Gene: GBE1 (1,4-alpha-glucan branching enzyme 1; minus strand). Cytogenetic location: 3p12.2.
Variant type: Duplication.
Coding change: c.1281dup on transcript NM_000158.4 (MANE Select); coding-DNA position 1281, one base duplicated (A; older notation c.1281dupA).
Protein change: p.Gly428fs; shifts the reading frame from glycine 428.
Molecular consequence: frameshift variant.
Genome position (GRCh38, 1-based): chr3:81,586,146, T duplicated on the plus strand (A on the coding strand, the reverse complement: GBE1 is on the minus strand). VCF-style (leftmost placement, unchanged base first): chr3-81586145-C-CT. GRCh37 (hg19) VCF-style: chr3-81635296-C-CT.
Other names: short protein forms G428fs.
Identifiers: ClinVar variation 5013091 (VCV005013091.1).